The following is an entry in ClinVar:

NM_000052.7(ATP7A):c.3028A>T (p.Thr1010Ser)

Gene: ATP7A (ATPase copper transporting alpha; plus strand). Cytogenetic location: Xq21.1.
Variant type: single nucleotide variant.
Coding change: c.3028A>T on transcript NM_000052.7 (MANE Select); coding-DNA position 3028, A replaced by T.
Protein change: p.Thr1010Ser; replaces threonine 1010 with serine.
Molecular consequence: missense variant.
Genome position (GRCh38, 1-based): chrX:78,029,361, A>T. VCF-style: chrX-78029361-A-T. GRCh37 (hg19) VCF-style: chrX-77284858-A-T.
Other names: c.2794A>T, p.Thr932Ser (NM_001282224.2); short protein forms T932S, T1010S.
Identifiers: ClinVar variation 1360219 (VCV001360219.8), dbSNP rs782480109, ClinGen allele CA413603232.

ClinVar aggregate classification (germline): Uncertain significance (1 of 4 stars; one submission).

Conditions:
Cutis laxa, X-linked (OHS). Also called: EDS IX; Occipital horn syndrome. Identifiers: Orphanet 198, MedGen C0268353, MONDO:0010572, OMIM 304150.
X-linked distal spinal muscular atrophy type 3. Also called: SPINAL MUSCULAR ATROPHY, DISTAL, X-LINKED RECESSIVE; ATP7A-Related Distal Motor Neuropathy; NEURONOPATHY, DISTAL HEREDITARY MOTOR, X-LINKED; NEUROPATHY, DISTAL HEREDITARY MOTOR, X-LINKED. Identifiers: Orphanet 139557, MedGen C1845359, MONDO:0010338, OMIM 300489.
Menkes kinky-hair syndrome (MNK). Also called: Copper transport disease; Classic Menkes Disease; Menkes Disease. Identifiers: Orphanet 565, MedGen C0022716, MONDO:0010651, OMIM 309400.

Submission:

Labcorp Genetics (formerly Invitae), Labcorp
Classification: Uncertain significance for X-linked distal spinal muscular atrophy type 3; Cutis laxa, X-linked; Menkes kinky-hair syndrome. Last evaluated: 2022-07-12. Review status: criteria provided, single submitter. Criteria: Invitae Variant Classification Sherloc (09022015). Collection method: clinical testing. Allele origin: germline.
Comment: This sequence change replaces threonine, which is neutral and polar, with serine, which is neutral and polar, at codon 1010 of the ATP7A protein (p.Thr1010Ser). This variant is not present in population databases (gnomAD no frequency). This variant has not been reported in the literature in individuals affected with ATP7A-related conditions. ClinVar contains an entry for this variant (Variation ID: 1360219). Algorithms developed to predict the effect of missense changes on protein structure and function are either unavailable or do not agree on the potential impact of this missense change (SIFT: "Deleterious"; PolyPhen-2: "Probably Damaging"; Align-GVGD: "Class C0"). In summary, the available evidence is currently insufficient to determine the role of this variant in disease. Therefore, it has been classified as a Variant of Uncertain Significance.